The following is an entry in ClinVar:

NM_001384474.1(LOXHD1):c.3619G>T (p.Gly1207Ter)

Gene: LOXHD1 (lipoxygenase homology PLAT domains 1; minus strand). Cytogenetic location: 18q21.1.
Variant type: single nucleotide variant.
Coding change: c.3619G>T on transcript NM_001384474.1 (MANE Select); coding-DNA position 3619, G replaced by T.
Protein change: p.Gly1207Ter; replaces glycine 1207 with a stop codon.
Molecular consequence: nonsense. On other transcripts: 5 prime UTR variant (1).
Genome position (GRCh38, 1-based): chr18:46,545,317, C>A on the plus strand (G>T on the coding strand, the complement: LOXHD1 is on the minus strand). VCF-style: chr18-46545317-C-A. GRCh37 (hg19) VCF-style: chr18-44125280-C-A.
Other names: c.286G>T, p.Gly96Ter (NM_001145472.3); c.-3G>T (NM_001308013.2); c.3619G>T, p.Gly1207Ter (NM_144612.7); short protein forms G1207*, G96*.
Identifiers: ClinVar variation 2691301 (VCV002691301.1), dbSNP rs775711191, ClinGen allele CA402378612.

ClinVar aggregate classification (germline): Pathogenic (1 of 4 stars; one submission).

Conditions:
Nonsyndromic genetic hearing loss. Also called: Nonsyndromic genetic deafness; Non-syndromic genetic deafness; Nonsyndromic hearing loss and deafness. Identifiers: Orphanet 87884, MedGen C5680182, MONDO:0019497.

Submission:

Women's Health and Genetics/Laboratory Corporation of America, LabCorp
Classification: Pathogenic for Nonsyndromic genetic hearing loss. Last evaluated: 2023-12-15. Review status: criteria provided, single submitter. Criteria: LabCorp Variant Classification Summary - May 2015. Collection method: clinical testing. Allele origin: germline.
Comment: Variant summary: LOXHD1 c.3619G>T (p.Gly1207X) results in a premature termination codon, predicted to cause a truncation of the encoded protein or absence of the protein due to nonsense mediated decay, which are commonly known mechanisms for disease. The variant was absent in 159192 control chromosomes. To our knowledge, no occurrence of c.3619G>T in individuals affected with Nonsyndromic Hearing Loss And Deafness, Type 77 and no experimental evidence demonstrating its impact on protein function have been reported. No submitters have cited clinical-significance assessments for this variant to ClinVar after 2014. Based on the evidence outlined above, the variant was classified as pathogenic.